The following is an entry in ClinVar:

NM_138694.4(PKHD1):c.9868G>A (p.Asp3290Asn)

Gene: PKHD1 (PKHD1 ciliary IPT domain containing fibrocystin/polyductin; minus strand). Cytogenetic location: 6p12.3.
Variant type: single nucleotide variant.
Coding change: c.9868G>A on transcript NM_138694.4 (MANE Select); coding-DNA position 9868, G replaced by A.
Protein change: p.Asp3290Asn; replaces aspartic acid 3290 with asparagine.
Molecular consequence: missense variant.
Genome position (GRCh38, 1-based): chr6:51,746,851, C>T on the plus strand (G>A on the coding strand, the complement: PKHD1 is on the minus strand). VCF-style: chr6-51746851-C-T. GRCh37 (hg19) VCF-style: chr6-51611649-C-T.
Other names: c.9868G>A, p.Asp3290Asn (NM_170724.3); short protein forms D3290N.
Identifiers: ClinVar variation 289330 (VCV000289330.33), dbSNP rs370659581, ClinGen allele CA3851298.
Genomic context (GRCh38, chr6:51,746,851, plus strand): 5'-TTATTGGGTGCATAATTCCACTGTTCTCTGCATTTGGTAGAATGCAGACATCCAGGTCAT[C>T]GCTATAGCAACTCTTCACAAAACTAGAAAAGGTAACATCTGAAATTTTAAAAATATGTAT-3'
Protein context (NP_619639.3, residues 3280-3300): FSSFVKSCYS[Asp3290Asn]DLDVCILPNA

ClinVar aggregate classification (germline): Uncertain significance. Review status: criteria provided, multiple submitters, no conflicts (2 of 4 stars). 4 submissions from 4 submitters: Uncertain significance (3). 1 of the submissions does not count toward it. Last evaluated 2024-06-14.

Conditions:
Polycystic kidney disease 4 (PKD4). Also called: POLYCYSTIC KIDNEY DISEASE 4 WITH OR WITHOUT POLYCYSTIC LIVER DISEASE; PKD3; Autosomal Recessive Polycystic Kidney Disease – PKHD1; POLYCYSTIC KIDNEY AND HEPATIC DISEASE 1; POLYCYSTIC KIDNEY DISEASE, INFANTILE, TYPE I. Identifiers: MedGen C4540575, MONDO:0033004, OMIM 263200.
Autosomal dominant polycystic liver disease. Also called: Polycystic liver disease; Congenital cystic disease of liver. Identifiers: Orphanet 2924, MedGen C0158683, MONDO:0000447, HP:0006557.
Autosomal recessive polycystic kidney disease (ARPKD). Also called: AR polycystic kidney disease. Identifiers: Orphanet 731, Orphanet 8378, MedGen C0085548, MeSH D017044, MONDO:0009889.

Allele frequency attached by ClinVar (database versions not stated): TOPMed 0.00005; ESP Exome Variant Server 0.00008.
gnomAD v4.1: 103 of 1,609,892 alleles (0.0064%); highest among the groups gnomAD compares: Middle Eastern, 0.016%; no homozygotes.

Submissions (4):

Fulgent Genetics
Classification: Uncertain significance for Polycystic kidney disease 4. Last evaluated: 2024-06-14. Review status: criteria provided, single submitter. Criteria: ACMG Guidelines, 2015. Collection method: clinical testing. Allele origin: germline.

Labcorp Genetics (formerly Invitae), Labcorp
Classification: Uncertain significance for Autosomal recessive polycystic kidney disease. Last evaluated: 2021-08-24. Review status: criteria provided, single submitter. Criteria: Invitae Variant Classification Sherloc (09022015). Collection method: clinical testing. Allele origin: germline.
Comment: This sequence change replaces aspartic acid with asparagine at codon 3290 of the PKHD1 protein (p.Asp3290Asn). The aspartic acid residue is weakly conserved and there is a small physicochemical difference between aspartic acid and asparagine. This variant is present in population databases (rs370659581, ExAC 0.009%). This variant has not been reported in the literature in individuals affected with PKHD1-related conditions. ClinVar contains an entry for this variant (Variation ID: 289330). Algorithms developed to predict the effect of missense changes on protein structure and function output the following: SIFT: "Tolerated"; PolyPhen-2: "Benign"; Align-GVGD: "Class C0". The asparagine amino acid residue is found in multiple mammalian species, which suggests that this missense change does not adversely affect protein function. In summary, the available evidence is currently insufficient to determine the role of this variant in disease. Therefore, it has been classified as a Variant of Uncertain Significance.

Eurofins Ntd Llc (ga)
Classification: Uncertain significance. Last evaluated: 2016-08-05. Review status: criteria provided, single submitter. Criteria: EGL Classification Definitions 2015. Collection method: clinical testing. Allele origin: germline. Observed: 1 variant allele, 1 heterozygote.

Laboratory of Gastroenterology and Hepatology, Radboud University Medical Center
Classification: Likely benign for Autosomal dominant polycystic liver disease. Last evaluated: 2021-09-01. Review status: no assertion criteria provided. Collection method: research. Allele origin: germline. Affected: yes. Not counted in ClinVar's aggregate classification.